The following is an entry in ClinVar:

NM_000535.7(PMS2):c.2149G>A (p.Val717Met)

Gene: PMS2 (PMS1 homolog 2, mismatch repair system component; minus strand). Cytogenetic location: 7p22.1.
Variant type: single nucleotide variant.
Coding change: c.2149G>A on transcript NM_000535.7 (MANE Select); coding-DNA position 2149, G replaced by A.
Protein change: p.Val717Met; replaces valine 717 with methionine.
Molecular consequence: missense variant. On other transcripts: non-coding transcript variant (1).
Genome position (GRCh38, 1-based): chr7:5,982,849, C>T on the plus strand (G>A on the coding strand, the complement: PMS2 is on the minus strand). VCF-style: chr7-5982849-C-T. GRCh37 (hg19) VCF-style: chr7-6022480-C-T.
Other names: c.1744G>A, p.Val582Met (NM_001322003.2, NM_001322004.2, NM_001322005.2 and 1 more transcripts); c.1993G>A, p.Val665Met (NM_001322006.2); c.1831G>A, p.Val611Met (NM_001322007.2, NM_001322008.2); c.1588G>A, p.Val530Met (NM_001322010.2); c.1216G>A, p.Val406Met (NM_001322011.2, NM_001322012.2); c.1576G>A, p.Val526Met (NM_001322013.2); c.2149G>A, p.Val717Met (NM_001322014.2); c.1840G>A, p.Val614Met (NM_001322015.2); short protein forms V717M, V530M, V614M, V406M, V611M, V665M, V526M, V582M.
Identifiers: ClinVar variation 41709 (VCV000041709.96), dbSNP rs201671325, ClinGen allele CA010907.

ClinVar aggregate classification (germline): Conflicting classifications of pathogenicity. Review status: criteria provided, conflicting classifications (1 of 4 stars). 29 submissions from 29 submitters: Uncertain significance (5); Benign (5); Likely benign (15). 4 of the submissions do not count toward it. Last evaluated 2026-08-01.

Conditions:
Hereditary nonpolyposis colorectal neoplasms. Identifiers: MedGen C0009405, MeSH D003123.
Hereditary cancer. Identifiers: MedGen C1333600.
Hereditary cancer-predisposing syndrome. Also called: Neoplastic Syndromes, Hereditary; Hereditary neoplastic syndrome; Hereditary Cancer Syndrome; Tumor predisposition. Identifiers: Orphanet 140162, MedGen C0027672, MeSH D009386, MONDO:0015356.
Breast and/or ovarian cancer. Identifiers: MedGen CN221562.
Lynch syndrome 4 (LYNCH4). Also called: Hereditary non-polyposis colorectal cancer, type 4; Colorectal cancer, hereditary nonpolyposis, type 4. Identifiers: Orphanet 144, MedGen C1838333, MONDO:0013699, OMIM 614337. Disease mechanism: loss of function.
Mismatch repair cancer syndrome 1 (MMRCS1). Also called: CHILDHOOD CANCER SYNDROME; BRAIN TUMOR-POLYPOSIS SYNDROME 1; BTP1 SYNDROME; MISMATCH REPAIR DEFICIENCY; MMR DEFICIENCY. Identifiers: Orphanet 252202, MedGen C5399763, MONDO:0010159, OMIM 276300. Disease mechanism: loss of function.
Lynch syndrome. Identifiers: Orphanet 144, MedGen C4552100, MONDO:0005835. Disease mechanism: loss of function.

Allele frequency attached by ClinVar (database versions not stated): gnomAD exomes 0.00064 and 0.00076; gnomAD 0.00071 and 0.00072; TOPMed 0.00078; ESP Exome Variant Server 0.00015; 1000 Genomes Project 30x 0.00016; 1000 Genomes Project 0.00020; ExAC 0.00091.
gnomAD v4.1: 1,078 of 1,608,702 alleles (0.067%); highest among the groups gnomAD compares: Admixed American, 0.11%; 2 homozygotes.

Submissions 1 to 11 of 29:

CeGaT Center for Human Genetics Tuebingen
Classification: Likely benign. Last evaluated: 2026-08-01. Review status: criteria provided, single submitter. Criteria: CeGaT Center For Human Genetics Tuebingen Variant Classification Criteria Version 2. Collection method: clinical testing. Allele origin: germline. Affected: yes. Observed: 26 variant alleles.
Comment: PMS2: PP2, BS2

Labcorp Genetics (formerly Invitae), Labcorp
Classification: Likely benign for Hereditary nonpolyposis colorectal neoplasms. Last evaluated: 2026-02-03. Review status: criteria provided, single submitter. Criteria: Invitae Variant Classification Sherloc (09022015). Collection method: clinical testing. Allele origin: germline.

Center for Genomic Medicine, Rigshospitalet, Copenhagen University Hospital
Classification: Uncertain significance. Last evaluated: 2025-12-29. Review status: criteria provided, single submitter. Criteria: ACMG Guidelines, 2015. Collection method: clinical testing. Allele origin: germline.
Comment: Classification criteria: BS1

Women's Health and Genetics/Laboratory Corporation of America, LabCorp
Classification: Likely benign. Last evaluated: 2025-12-22. Review status: criteria provided, single submitter. Criteria: LabCorp Variant Classification Summary - May 2015. Collection method: clinical testing. Allele origin: germline.
Comment: Variant summary: PMS2 c.2149G>A (p.Val717Met) results in a conservative amino acid change located in the C-terminal dimerisation domain (IPR014790) of the encoded protein sequence. Algorithms developed to predict the effect of missense changes on protein structure and function are either unavailable or do not agree on the potential impact of this missense change. The variant allele was found at a frequency of 0.00076 in 237678 control chromosomes in the gnomAD database, including 1 homozygotes. The observed variant frequency is approximately 10 fold of the estimated maximal expected allele frequency for a pathogenic variant in PMS2 causing Hereditary Nonpolyposis Colorectal Cancer phenotype (7.1e-05). c.2149G>A has been reported in the literature in individuals affected with Lynch Syndrome and other tumor phenotypes, however these reports do not provide unequivocal conclusions about association of the variant with Lynch Syndrome (example, Brea-Fernandez_2013, Borras_2013, Shirts_2015, Tung_2016, Yurgelun_2017, Pearlman_2017, Gonzalez-Acosta_2017, Chan_2018, Martin-Morales_2018, Delahunty_2022, Liccardo_2022). In at least one family, the variant did not segregate with the disease and co-occurred with another PMS2 variant (c.2444C>T). Functional studies by these authors showed that a different variant, c.2444C>T (p.S815L) caused a significant decrease in PMS2 and MLH1 protein expression (~15% of normal) and impaired MMR activity (~10% of normal). The variant of interest was also functionally analyzed and found not to significantly impair protein expression or MMR activity (Gonzalez-Acosta 2017), suggesting the variant of interest is likely not the driver of disease in the family. The following publications have been ascertained in the context of this evaluation (PMID: 34371384, 23709753, 37534630, 23837913, 30093976, 35263119, 28365877, 22703879, 35475445, 30256826, 27978560, 26845104, 26976419, 28135145). ClinVar contains an entry for this variant (Variation ID: 41709). Based on the evidence outlined above, the variant was classified as likely benign.

Molecular Diagnostics Laboratory, Catalan Institute of Oncology
Classification: Benign for Hereditary cancer-predisposing syndrome. Last evaluated: 2025-07-23. Review status: criteria provided, single submitter. Criteria: ClinGen CRC ACMG Specifications PMS2 V1.0.0. Collection method: clinical testing. Allele origin: germline.
Comment: BS1, BP5_Strong, BS4_Supporting c.2149G>A, located in exon 12 of the PMS2 gene, is predicted to result in the substitution of valine with methionine at codon 717, p.(Val717Met).This variant is found in 1078/1608702 alleles (including 2 homozygous) in the gnomAD v4.1.0 database, with a filtered allele frequency of 0.089% at 95% confidence in the Admixed American population dataset (BS1). Computational tools predict no significant impact on splicing; however, the effect on protein function remains uncertain (MAPP + PolyPhen-2 prior probability of pathogenicity: 0.594). The variant did not segregate with disease (Bayes Likelihood Ratio = 0.308) and was observed in co-occurrence with another PMS2 variant (c.2444C>T) within a family (PMID: 28365877; BS4_Supporting). Functional studies have demonstrated that the c.2149G>A variantdoes not significantly affect protein expression or mismatch repair (MMR) function (PMID: 28365877). While the variant has been reported in multiple individuals with Lynch syndrome�associated tumors, the corresponding IHC patterns have been inconsistent wih the variant location (PMID: 27978560 and internal data; BP5_Strong). In addition, the variant has been reported in the ClinVar database (8x uncertain significance, 14x likely benign, 4x benign) and in the LOVD database (3x likely benign, 2x benign, 1x not classified). It has not been reported in the InSiGHT database. Based on currently available information, c.2149G>A is classified as a benign variant according to ClinGen-MMR Guidelines version 1.0.0.

Quest Diagnostics Nichols Institute San Juan Capistrano
Classification: Benign. Last evaluated: 2025-05-26. Review status: criteria provided, single submitter. Criteria: Quest Diagnostics criteria. Collection method: clinical testing. Allele origin: unknown.

Spanish MMR Variant Interpretation Working Group
Classification: Likely benign for Hereditary cancer-predisposing syndrome. Last evaluated: 2025-05-05. Review status: criteria provided, single submitter. Criteria: ClinGen CRC ACMG Specifications PMS2 V1.0.0. Collection method: clinical testing. Allele origin: germline. Affected: yes.
Comment: The PMS2 variant c.2149G>A replaces valine with methionine at codon 717 of the PMS2 protein, p.(Val717Met). The valine residue is a moderately conserved aminoacid, and there is a small physicochemical difference between valine and methionine. It has a Maximum Credible Allele Frequency (MCAF) within the range of 0.028-0.28% in the gnomAD v4.1.0 database (BS1; the allele frequency data may be inaccurate due to possible PMS2CL pseudogene interference).  The SpliceAI algorithm predicts no significant impact on splicing. It is a missense variant with a MAPP+PolyPhen-2 prior probability of pathogenicity within the range of 0.11-0.68 (no criterion is met). There are no other described class 4/5 variants located at the same residue. This variant showed proficient protein expression and MMR activity in an in vitro MMR assay (PMID 28365877). It has been reported in a patient with an MMR-proficient CRC (PMID 27978560) and in two carriers of pathogenic PMS2 variants (PMID 28365877 and PMID 27978560); it has also been reported in our Spanish cohort in 5 patients, one affected with a MMR-proficient CRC (conserved MMR protein expression and MSS) (BP5). Based on the available evidence, this variant is classified as Likely Benign (Class 2).

Blueprint Genetics
Classification: Likely benign. Last evaluated: 2024-11-27. Review status: criteria provided, single submitter. Criteria: ACMG Guidelines, 2015. Collection method: clinical testing. Allele origin: germline.

ARUP Laboratories, Molecular Genetics and Genomics, ARUP Laboratories
Classification: Benign. Last evaluated: 2024-10-18. Review status: criteria provided, single submitter. Criteria: ARUP Molecular Germline Variant Investigation Process 2024. Collection method: clinical testing. Allele origin: germline.

Department of Clinical Genetics, Copenhagen University Hospital, Rigshospitalet
Classification: Likely benign for Lynch syndrome. Last evaluated: 2024-04-04. Review status: criteria provided, single submitter. Criteria: ACMG Guidelines, 2015. Collection method: clinical testing. Allele origin: germline. Affected: yes.
Comment: The following ACMG criteria is used: BS1. The variant is reported once in gnomAD in homozygote state. Functional analysis indicates that the variant does not affect the function of PMS2 (PMID: 28365877)

Mendelics
Classification: Likely benign for Hereditary cancer. Last evaluated: 2024-01-23. Review status: criteria provided, single submitter. Criteria: ACMG Guidelines, 2015. Collection method: clinical testing. Allele origin: unknown.